The following is an entry in ClinVar:

NM_001278669.2(NFATC1):c.1089G>A (p.Pro363=)

Gene: NFATC1 (nuclear factor of activated T cells 1; plus strand). Cytogenetic location: 18q23.
Variant type: single nucleotide variant.
Coding change: c.1089G>A on transcript NM_001278669.2 (MANE Select); coding-DNA position 1089, G replaced by A.
Protein change: p.Pro363=; no amino-acid change (proline 363 retained).
Molecular consequence: synonymous variant. On other transcripts: intron variant (2).
Genome position (GRCh38, 1-based): chr18:79,411,364, G>A. VCF-style: chr18-79411364-G-A. GRCh37 (hg19) VCF-style: chr18-77171364-G-A.
Other names: c.1089G>A, p.Pro363= (NM_001278670.2, NM_006162.5, NM_172390.3); c.1050G>A, p.Pro350= (NM_001278672.2, NM_001278675.2, NM_172387.3 and 1 more transcripts); c.-191+15013G>A (NM_172388.3); c.-191+10885G>A (NM_001278673.2).
Identifiers: ClinVar variation 3041203 (VCV003041203.2), dbSNP rs201081010, ClinGen allele CA9009030.
Genomic context (GRCh38, chr18:79,411,364, plus strand): 5'-GCCCTCAGTGGCGCTCAAGGTGGAGCCCGTCGGGGAGGACCTGGGCAGCCCCCCGCCCCC[G>A]GCCGACTTCGCGCCCGAAGACTACTCCTCTTTCCAGCACATCAGGAAGGGCGGCTTCTGC-3'
Protein context (NP_001265598.1, residues 353-373): VGEDLGSPPP[Pro363=]ADFAPEDYSS

ClinVar aggregate classification (germline): Likely benign (0 of 4 stars; one submission).

Conditions:
NFATC1-related disorder. Also called: NFATC1-related condition.

Allele frequency attached by ClinVar (database versions not stated): ESP Exome Variant Server 0.00008; TOPMed 0.00008; gnomAD 0.00015; gnomAD exomes 0.00024; ExAC 0.00057; 1000 Genomes Project 0.00060; 1000 Genomes Project 30x 0.00094.
gnomAD v4.1: 375 of 1,588,630 alleles (0.024%); highest among the groups gnomAD compares: South Asian, 0.28%; 2 homozygotes.

Submission:

PreventionGenetics, part of Exact Sciences
Classification: Likely benign for NFATC1-related condition. Last evaluated: 2020-09-25. Review status: no assertion criteria provided. Collection method: clinical testing. Allele origin: germline.
Comment: This variant is classified as likely benign based on ACMG/AMP sequence variant interpretation guidelines (Richards et al. 2015 PMID: 25741868, with internal and published modifications).